The following is an entry in ClinVar:

ClinVar aggregate classification (germline): Conflicting classifications of pathogenicity. Review status: criteria provided, conflicting classifications (1 of 4 stars). 4 submissions from 4 submitters: Uncertain significance (2); Likely benign (1). 1 of the submissions does not count toward it. Last evaluated 2024-01-19.

Conditions:
Hereditary breast ovarian cancer syndrome. Also called: Hereditary breast and ovarian cancer syndrome; Hereditary breast and ovarian cancer syndrome (HBOC); Hereditary breast and ovarian cancer; Hereditary breast and/or ovarian cancer syndrome; Breast and ovarian cancer; BRCA1- and BRCA2-Associated Hereditary Breast and Ovarian Cancer. Identifiers: Orphanet 145, MedGen C0677776, MeSH D061325, MONDO:0003582. Disease mechanism: loss of function.
Hereditary cancer-predisposing syndrome. Also called: Hereditary Cancer Syndrome; Neoplastic Syndromes, Hereditary; Tumor predisposition; Hereditary neoplastic syndrome. Identifiers: Orphanet 140162, MedGen C0027672, MeSH D009386, MONDO:0015356.
Breast-ovarian cancer, familial, susceptibility to, 2 (BROVCA2). Also called: BRCA2 Hereditary Breast and Ovarian Cancer. Identifiers: Orphanet 145, MedGen C2675520, MONDO:0012933, OMIM 612555. Disease mechanism: loss of function.

Allele frequency attached by ClinVar (database versions not stated): gnomAD exomes below 0.00001; gnomAD 0.00001; TOPMed 0.00001.
gnomAD v4.1: 2 of 1,613,054 alleles (0.00012%); highest among the groups gnomAD compares: Non-Finnish European, 0.00017%; no homozygotes.

Submissions (4):

Labcorp Genetics (formerly Invitae), Labcorp
Classification: Uncertain significance for Hereditary breast ovarian cancer syndrome. Last evaluated: 2024-01-19. Review status: criteria provided, single submitter. Criteria: Invitae Variant Classification Sherloc (09022015). Collection method: clinical testing. Allele origin: germline.
Comment: This sequence change replaces valine, which is neutral and non-polar, with isoleucine, which is neutral and non-polar, at codon 2975 of the BRCA2 protein (p.Val2975Ile). This variant is present in population databases (no rsID available, gnomAD 0.0009%). This variant has not been reported in the literature in individuals affected with BRCA2-related conditions. ClinVar contains an entry for this variant (Variation ID: 633130). Advanced modeling of protein sequence and biophysical properties (such as structural, functional, and spatial information, amino acid conservation, physicochemical variation, residue mobility, and thermodynamic stability) performed at Invitae indicates that this missense variant is not expected to disrupt BRCA2 protein function with a negative predictive value of 95%. In summary, the available evidence is currently insufficient to determine the role of this variant in disease. Therefore, it has been classified as a Variant of Uncertain Significance.

Ambry Genetics
Classification: Likely benign for Hereditary cancer-predisposing syndrome. Last evaluated: 2019-09-21. Review status: criteria provided, single submitter. Criteria: Ambry Variant Classification Scheme 2023. Collection method: clinical testing. Allele origin: germline.

Women's Health and Genetics/Laboratory Corporation of America, LabCorp
Classification: Uncertain significance. Last evaluated: 2018-11-08. Review status: criteria provided, single submitter. Criteria: LabCorp Variant Classification Summary - May 2015. Collection method: clinical testing. Allele origin: germline.
Comment: Variant summary: BRCA2 c.8923G>A (p.Val2975Ile) results in a conservative amino acid change in the encoded protein sequence. Five of five in-silico tools predict a benign effect of the variant on protein function. The variant allele was found at a frequency of 4.1e-06 in 243938 control chromosomes (gnomAD). The available data on variant occurrences in the general population are insufficient to allow any conclusion about variant significance. To our knowledge, no occurrence of c.8923G>A in individuals affected with Hereditary Breast and Ovarian Cancer and no experimental evidence demonstrating its impact on protein function have been reported. No clinical diagnostic laboratories have submitted clinical-significance assessments for this variant to ClinVar after 2014. Based on the evidence outlined above, the variant was classified as uncertain significance.

BRCAlab, Lund University
Classification: Uncertain significance for Breast-ovarian cancer, familial, susceptibility to, 2. Last evaluated: 2020-03-02. Review status: no assertion criteria provided. Collection method: clinical testing. Allele origin: germline. Affected: yes. Not counted in ClinVar's aggregate classification.

NM_000059.4(BRCA2):c.8923G>A (p.Val2975Ile)

Gene: BRCA2 (BRCA2 DNA repair associated; plus strand). Cytogenetic location: 13q13.1.
Variant type: single nucleotide variant.
Coding change: c.8923G>A on transcript NM_000059.4 (MANE Select); coding-DNA position 8923, G replaced by A.
Protein change: p.Val2975Ile; replaces valine 2975 with isoleucine.
Molecular consequence: missense variant.
Genome position (GRCh38, 1-based): chr13:32,379,485, G>A. VCF-style: chr13-32379485-G-A. GRCh37 (hg19) VCF-style: chr13-32953622-G-A.
Other names: short protein forms V2975I.
Identifiers: ClinVar variation 633130 (VCV000633130.13), dbSNP rs1006688520, ClinGen allele CA247493447.
Genomic context (GRCh38, chr13:32,379,485, plus strand): 5'-GCTGAACAAAAGGAACAAGGTTTATCAAGGGATGTCACAACCGTGTGGAAGTTGCGTATT[G>A]TAAGCTATTCAAAAAAAGAAAAAGATTCAGGTAAGTATGTAAATGCTTTGTTTTTATCAG-3'
Protein context (NP_000050.3, residues 2965-2985): DVTTVWKLRI[Val2975Ile]SYSKKEKDSV